The following is an entry in ClinVar:

ClinVar aggregate classification (germline): Uncertain significance (1 of 4 stars; one submission).

Conditions:
Hereditary cancer-predisposing syndrome. Also called: Hereditary neoplastic syndrome; Neoplastic Syndromes, Hereditary; Tumor predisposition; Hereditary Cancer Syndrome. Identifiers: Orphanet 140162, MedGen C0027672, MeSH D009386, MONDO:0015356.

Submission:

Ambry Genetics
Classification: Uncertain significance for Hereditary cancer-predisposing syndrome. Last evaluated: 2021-12-21. Review status: criteria provided, single submitter. Criteria: Ambry Variant Classification Scheme 2023. Collection method: clinical testing. Allele origin: germline.
Comment: The p.D2959H variant (also known as c.8875G>C), located in coding exon 61 of the ATM gene, results from a G to C substitution at nucleotide position 8875. The aspartic acid at codon 2959 is replaced by histidine, an amino acid with similar properties. This amino acid position is conserved. In addition, this alteration is predicted to be deleterious by in silico analysis. Since supporting evidence is limited at this time, the clinical significance of this alteration remains unclear.

NM_000051.4(ATM):c.8875G>C (p.Asp2959His)

Genes: ATM (ATM serine/threonine kinase; plus strand), C11orf65 (chromosome 11 open reading frame 65; minus strand). Cytogenetic location: 11q22.3.
Variant type: single nucleotide variant.
Coding change: c.8875G>C on transcript NM_000051.4 (MANE Select); coding-DNA position 8875, G replaced by C.
Protein change: p.Asp2959His; replaces aspartic acid 2959 with histidine.
Molecular consequence: missense variant. On other transcripts: intron variant (2).
Genome position (GRCh38, 1-based): chr11:108,365,106, G>C. VCF-style: chr11-108365106-G-C. GRCh37 (hg19) VCF-style: chr11-108235833-G-C.
Other names: c.8875G>C, p.Asp2959His (NM_001351834.2); c.640+20814C>G (NM_001330368.2); c.694+20814C>G (NM_001351110.2); short protein forms D2959H.
Identifiers: ClinVar variation 1764952 (VCV001764952.2), dbSNP rs1400589510, ClinGen allele CA382529637.